The following is an entry in ClinVar:

NM_033305.3(VPS13A):c.4390C>A (p.His1464Asn)

Gene: VPS13A (vacuolar protein sorting 13 homolog A; plus strand). Cytogenetic location: 9q21.2.
Variant type: single nucleotide variant.
Coding change: c.4390C>A on transcript NM_033305.3 (MANE Select); coding-DNA position 4390, C replaced by A.
Protein change: p.His1464Asn; replaces histidine 1464 with asparagine.
Molecular consequence: missense variant.
Genome position (GRCh38, 1-based): chr9:77,314,642, C>A. VCF-style: chr9-77314642-C-A. GRCh37 (hg19) VCF-style: chr9-79929558-C-A.
Other names: c.4273C>A, p.His1425Asn (NM_001018037.2); c.4390C>A, p.His1464Asn (NM_001018038.3, NM_015186.4); short protein forms H1464N, H1425N.
Identifiers: ClinVar variation 367382 (VCV000367382.38), dbSNP rs148891181, ClinGen allele CA5092502.

ClinVar aggregate classification (germline): Uncertain significance. Review status: criteria provided, multiple submitters, no conflicts (2 of 4 stars). 6 submissions from 6 submitters: Uncertain significance (6). Last evaluated 2026-09-30.

Conditions:
VPS13A-related neurodegenerative disease. Also called: VPS13A Disease; Choreaacanthocytosis; Choreoacanthocytosis; Chorea-acanthocytosis; ACANTHOCYTOSIS WITH NEUROLOGIC DISORDER; LEVINE-CRITCHLEY SYNDROME. Identifiers: Orphanet 2388, MedGen C0393576, MONDO:0008695, OMIM 200150.
Inborn genetic diseases. Identifiers: MedGen C0950123, MeSH D030342.

Allele frequency attached by ClinVar (database versions not stated): gnomAD 0.00027 and 0.00026; gnomAD exomes 0.00029 and 0.00022; ESP Exome Variant Server 0.00031; TOPMed 0.00045; 1000 Genomes Project 30x 0.00016; 1000 Genomes Project 0.00020; ExAC 0.00020.
gnomAD v4.1: 455 of 1,612,394 alleles (0.028%); highest among the groups gnomAD compares: Admixed American, 0.057%; no homozygotes.

Submissions (6):

GeneDx
Classification: Uncertain significance. Last evaluated: 2026-09-30. Review status: criteria provided, single submitter. Criteria: GeneDx Variant Classification Process June 2021. Collection method: clinical testing. Allele origin: germline.
Comment: In silico analysis suggests that this missense variant does not alter protein structure/function; Has not been previously published as pathogenic or benign to our knowledge

CeGaT Center for Human Genetics Tuebingen
Classification: Uncertain significance. Last evaluated: 2023-02-01. Review status: criteria provided, single submitter. Criteria: CeGaT Center For Human Genetics Tuebingen Variant Classification Criteria Version 2. Collection method: clinical testing. Allele origin: germline. Affected: yes. Observed: 1 variant allele.
Comment: VPS13A: PM2, BP4

Labcorp Genetics (formerly Invitae), Labcorp
Classification: Uncertain significance. Last evaluated: 2022-07-04. Review status: criteria provided, single submitter. Criteria: Invitae Variant Classification Sherloc (09022015). Collection method: clinical testing. Allele origin: germline.
Comment: This sequence change replaces histidine, which is basic and polar, with asparagine, which is neutral and polar, at codon 1464 of the VPS13A protein (p.His1464Asn). This variant is present in population databases (rs148891181, gnomAD 0.06%). This variant has not been reported in the literature in individuals affected with VPS13A-related conditions. ClinVar contains an entry for this variant (Variation ID: 367382). Algorithms developed to predict the effect of missense changes on protein structure and function (SIFT, PolyPhen-2, Align-GVGD) all suggest that this variant is likely to be tolerated. In summary, the available evidence is currently insufficient to determine the role of this variant in disease. Therefore, it has been classified as a Variant of Uncertain Significance.

Ambry Genetics
Classification: Uncertain significance for Inborn genetic diseases. Last evaluated: 2022-01-26. Review status: criteria provided, single submitter. Criteria: Ambry Variant Classification Scheme 2023. Collection method: clinical testing. Allele origin: germline.

Illumina Laboratory Services, Illumina
Classification: Uncertain significance for VPS13A-related neurodegenerative disease. Last evaluated: 2018-01-13. Review status: criteria provided, single submitter. Criteria: ICSL Variant Classification Criteria 13 December 2019. Collection method: clinical testing. Allele origin: germline.

Athena Diagnostics
Classification: Uncertain significance. Last evaluated: 2017-11-20. Review status: criteria provided, single submitter. Criteria: Athena Diagnostics Criteria. Collection method: clinical testing. Allele origin: germline.